The following is an entry in ClinVar:

NM_000090.4(COL3A1):c.529-318A>G

Gene: COL3A1 (collagen type III alpha 1 chain; plus strand). Cytogenetic location: 2q32.2.
Variant type: single nucleotide variant.
Coding change: c.529-318A>G on transcript NM_000090.4 (MANE Select); 318 bases into the intron before coding-DNA position 529, A replaced by G.
Molecular consequence: intron variant.
Genome position (GRCh38, 1-based): chr2:188,987,763, A>G. VCF-style: chr2-188987763-A-G. GRCh37 (hg19) VCF-style: chr2-189852489-A-G.
Identifiers: ClinVar variation 669926 (VCV000669926.1), dbSNP rs546892229, ClinGen allele CA11280420.

ClinVar aggregate classification (germline): Likely benign (1 of 4 stars; one submission).

Allele frequency attached by ClinVar (database versions not stated): 1000 Genomes Project 30x 0.00156; 1000 Genomes Project 0.00180; TOPMed 0.00456; gnomAD 0.00555 and 0.00577.
gnomAD v4.1: 831 of 152,246 alleles (0.55%); highest among the groups gnomAD compares: Non-Finnish European, 0.88%; 2 homozygotes.

Submission:

GeneDx
Classification: Likely benign. Last evaluated: 2018-06-16. Review status: criteria provided, single submitter. Criteria: GeneDx Variant Classification (06012015). Collection method: clinical testing. Allele origin: germline. Affected: yes.
Comment: This variant is considered likely benign or benign based on one or more of the following criteria: it is a conservative change, it occurs at a poorly conserved position in the protein, it is predicted to be benign by multiple in silico algorithms, and/or has population frequency not consistent with disease.